The following is an entry in ClinVar:

NM_000540.3(RYR1):c.9122+7C>T

Gene: RYR1 (ryanodine receptor 1; plus strand). Cytogenetic location: 19q13.2.
Variant type: single nucleotide variant.
Coding change: c.9122+7C>T on transcript NM_000540.3 (MANE Select); 7 bases into the intron after coding-DNA position 9122, C replaced by T.
Molecular consequence: intron variant.
Genome position (GRCh38, 1-based): chr19:38,510,788, C>T. VCF-style: chr19-38510788-C-T. GRCh37 (hg19) VCF-style: chr19-39001428-C-T.
Other names: c.9122+7C>T (NM_001042723.2).
Identifiers: ClinVar variation 720523 (VCV000720523.34), dbSNP rs199667629, ClinGen allele CA073179.

ClinVar aggregate classification (germline): Conflicting classifications of pathogenicity. Review status: criteria provided, conflicting classifications (1 of 4 stars). 3 submissions from 3 submitters: Uncertain significance (1); Likely benign (1). 1 of the submissions does not count toward it. Last evaluated 2025-08-31.

Conditions:
RYR1-related disorder. Also called: RYR1-related disorders; RYR1-related condition. Identifiers: MedGen CN239331.

Allele frequency attached by ClinVar (database versions not stated): gnomAD 0.00001; TOPMed 0.00002; ExAC 0.00003; gnomAD exomes 0.00005; ESP Exome Variant Server 0.00008; 1000 Genomes Project 0.00020; 1000 Genomes Project 30x 0.00031.
gnomAD v4.1: 88 of 1,614,130 alleles (0.0055%); highest among the groups gnomAD compares: East Asian, 0.085%; no homozygotes.

Submissions (3):

Labcorp Genetics (formerly Invitae), Labcorp
Classification: Likely benign for RYR1-related disorder. Last evaluated: 2025-08-31. Review status: criteria provided, single submitter. Criteria: Invitae Variant Classification Sherloc (09022015). Collection method: clinical testing. Allele origin: germline.

CeGaT Center for Human Genetics Tuebingen
Classification: Uncertain significance. Last evaluated: 2024-02-01. Review status: criteria provided, single submitter. Criteria: CeGaT Center For Human Genetics Tuebingen Variant Classification Criteria Version 2. Collection method: clinical testing. Allele origin: germline. Affected: yes. Observed: 1 variant allele.
Comment: RYR1: PM2, BP4

PreventionGenetics, part of Exact Sciences
Classification: Likely benign for RYR1-related condition. Last evaluated: 2022-09-19. Review status: no assertion criteria provided. Collection method: clinical testing. Allele origin: germline. Not counted in ClinVar's aggregate classification.
Comment: This variant is classified as likely benign based on ACMG/AMP sequence variant interpretation guidelines (Richards et al. 2015 PMID: 25741868, with internal and published modifications).